The following is an entry in ClinVar:

NM_000157.4(GBA1):c.1048C>G (p.His350Asp)

Genes: GBA1 (glucosylceramidase beta 1; minus strand), LOC106627981 (GBA recombination region; plus strand). Cytogenetic location: 1q22.
Variant type: single nucleotide variant.
Coding change: c.1048C>G on transcript NM_000157.4 (MANE Select); coding-DNA position 1048, C replaced by G.
Protein change: p.His350Asp; replaces histidine 350 with aspartic acid.
Molecular consequence: missense variant.
Genome position (GRCh38, 1-based): chr1:155,236,421, G>C on the plus strand (C>G on the coding strand, the complement: GBA1 is on the minus strand). VCF-style: chr1-155236421-G-C. GRCh37 (hg19) VCF-style: chr1-155206212-G-C.
Other names: c.1048C>G, p.His350Asp (NM_001005741.3, NM_001005742.3); c.787C>G, p.His263Asp (NM_001171811.2); c.901C>G, p.His301Asp (NM_001171812.2); short protein forms H263D, H301D, H350D.
Identifiers: ClinVar variation 3251865 (VCV003251865.1), dbSNP rs2524825211.

ClinVar aggregate classification (germline): Uncertain significance (1 of 4 stars; one submission).

Submission:

Women's Health and Genetics/Laboratory Corporation of America, LabCorp
Classification: Uncertain significance. Last evaluated: 2024-04-18. Review status: criteria provided, single submitter. Criteria: LabCorp Variant Classification Summary - May 2015. Collection method: clinical testing. Allele origin: germline.
Comment: Variant summary: GBA1 c.1048C>G (p.His350Asp) results in a non-conservative amino acid change located in the Glycosyl hydrolase family 30, TIM-barrel domain (IPR033453) of the encoded protein sequence. Five of five in-silico tools predict a damaging effect of the variant on protein function. The variant was absent in 251480 control chromosomes. The available data on variant occurrences in the general population are insufficient to allow any conclusion about variant significance. To our knowledge, no occurrence of c.1048C>G in individuals affected with Gaucher Disease and no experimental evidence demonstrating its impact on protein function have been reported. No submitters have cited clinical-significance assessments for this variant to ClinVar. Based on the evidence outlined above, the variant was classified as uncertain significance.